The following is an entry in ClinVar:

NM_000038.6(APC):c.220+10A>T

Gene: APC (APC regulator of Wnt signaling pathway; plus strand). Cytogenetic location: 5q22.2.
Variant type: single nucleotide variant.
Coding change: c.220+10A>T on transcript NM_000038.6 (MANE Select); 10 bases into the intron after coding-DNA position 220, A replaced by T.
Molecular consequence: intron variant.
Genome position (GRCh38, 1-based): chr5:112,766,420, A>T. VCF-style: chr5-112766420-A-T. GRCh37 (hg19) VCF-style: chr5-112102117-A-T.
Other names: c.220+10A>T (NM_001354895.2, NM_001127510.3, NM_001354896.2 and 2 more transcripts); c.250+10A>T (NM_001354897.2, NM_001354902.2, NM_001127511.3); c.145+10A>T (NM_001354898.2, NM_001354904.2); c.-816+10A>T (NM_001354906.2); c.43+10A>T (NM_001354900.2, NM_001354901.2, NM_001354905.2).
Identifiers: ClinVar variation 630818 (VCV000630818.8), dbSNP rs1350313665, ClinGen allele CA561903409.

ClinVar aggregate classification (germline): Likely benign. Review status: criteria provided, multiple submitters, no conflicts (2 of 4 stars). 3 submissions from 3 submitters: Likely benign (3). Last evaluated 2024-02-22.

Conditions:
Hereditary cancer-predisposing syndrome. Also called: Tumor predisposition; Neoplastic Syndromes, Hereditary; Hereditary neoplastic syndrome; Hereditary Cancer Syndrome. Identifiers: Orphanet 140162, MedGen C0027672, MeSH D009386, MONDO:0015356.
Familial adenomatous polyposis 1 (FAP1). Also called: POLYPOSIS, ADENOMATOUS INTESTINAL; FAMILIAL ADENOMATOUS POLYPOSIS 1, ATTENUATED. Identifiers: MedGen C2713442, MONDO:0021056, OMIM 175100. Disease mechanism: loss of function.

Allele frequency attached by ClinVar (database versions not stated): gnomAD exomes 0.00001; TOPMed 0.00002.
gnomAD v4.1: 5 of 1,590,948 alleles (0.00031%); highest among the groups gnomAD compares: Non-Finnish European, 0.00043%; no homozygotes.

Submissions (3):

Myriad Genetics, Inc.
Classification: Likely benign for Familial adenomatous polyposis 1. Last evaluated: 2024-02-22. Review status: criteria provided, single submitter. Criteria: Myriad Autosomal Dominant, Autosomal Recessive and X-Linked Classification Criteria (2023). Collection method: clinical testing. Allele origin: unknown.
Comment: This variant is considered likely benign. This variant is intronic and is not expected to impact mRNA splicing.

Labcorp Genetics (formerly Invitae), Labcorp
Classification: Likely benign for Familial adenomatous polyposis 1. Last evaluated: 2022-04-12. Review status: criteria provided, single submitter. Criteria: Invitae Variant Classification Sherloc (09022015). Collection method: clinical testing. Allele origin: germline.

Color Diagnostics, LLC DBA Color Health
Classification: Likely benign for Hereditary cancer-predisposing syndrome. Last evaluated: 2017-11-17. Review status: criteria provided, single submitter. Criteria: ACMG Guidelines, 2015. Collection method: clinical testing. Allele origin: germline.